The following is an entry in ClinVar:

ClinVar aggregate classification (germline): Likely pathogenic (1 of 4 stars; one submission).

Conditions:
PFKM-related disorder. Also called: PFKM-related condition.

Submission:

PreventionGenetics, part of Exact Sciences
Classification: Likely pathogenic for PFKM-related condition. Last evaluated: 2025-12-08. Review status: criteria provided, single submitter. Criteria: ACMG Guidelines, 2015. Collection method: clinical testing. Allele origin: germline.
Comment: The PFKM c.1343_1346delTAGA variant is predicted to result in a frameshift and premature protein termination (p.Ile448Argfs*18). To our knowledge, this variant has not been reported in the literature or in a large population database (gnomAD), indicating this variant is rare. Frameshift variants in PFKM are expected to be pathogenic. This variant is interpreted as likely pathogenic.

NM_000289.5(PFKM):c.1343_1346delTAGA

Gene: PFKM (phosphofructokinase, muscle; plus strand). Cytogenetic location: 12q13.11.
Variant type: Deletion.
Coding change: c.1343_1346delTAGA on transcript NM_000289.5; coding-DNA positions 1343 to 1346, 4 bases deleted (TAGA).
Genome position (GRCh38, 1-based): chr12:48,141,312-48,141,315, TAGA deleted; deleting any 4 consecutive bases within chr12:48,141,309-48,141,315 gives the same sequence; the c. name uses the placement nearest the transcript's 3' end. VCF-style (leftmost placement, unchanged base first): chr12-48141308-CAGAT-C. GRCh37 (hg19) VCF-style: chr12-48535091-CAGAT-C.
Identifiers: ClinVar variation 4996040 (VCV004996040.1).